The following is an entry in ClinVar:

ClinVar aggregate classification (germline): Pathogenic (1 of 4 stars; one submission).

Conditions:
Neurodegeneration with brain iron accumulation 5 (NBIA5). Also called: Beta-propeller protein-associated neurodegeneration; STATIC ENCEPHALOPATHY OF CHILDHOOD WITH NEURODEGENERATION IN ADULTHOOD. Identifiers: Orphanet 329284, MedGen C3550973, MONDO:0010476, OMIM 300894.

Submission:

Institute of Human Genetics, University of Leipzig Medical Center
Classification: Pathogenic for Neurodegeneration with brain iron accumulation 5. Last evaluated: 2025-12-01. Review status: criteria provided, single submitter. Criteria: ACMG Guidelines, 2015. Collection method: clinical testing. Allele origin: de novo. Inheritance: X-linked dominant inheritance. Affected: yes.
Comment: Criteria applied: PVS1_RNA,PS2_MOD,PM2

NM_001029896.2(WDR45):c.828-3C>A

Gene: WDR45 (WD repeat domain 45; minus strand). Cytogenetic location: Xp11.23.
Variant type: single nucleotide variant.
Coding change: c.828-3C>A on transcript NM_001029896.2 (MANE Select); 3 bases into the intron before coding-DNA position 828, C replaced by A.
Molecular consequence: intron variant.
Genome position (GRCh38, 1-based): chrX:49,075,284, G>T on the plus strand (C>A on the coding strand, the complement: WDR45 is on the minus strand). VCF-style: chrX-49075284-G-T. GRCh37 (hg19) VCF-style: chrX-48932943-G-T.
Other names: c.831-3C>A (NM_007075.4).
Identifiers: ClinVar variation 1329904 (VCV001329904.2), dbSNP rs2147814948, ClinGen allele CA2573055346.